The following is an entry in ClinVar:

ClinVar aggregate classification (germline): Uncertain significance (1 of 4 stars; one submission).

Conditions:
Psoriasis 2. Identifiers: MedGen C1864497, MONDO:0011269, OMIM 602723.
Pityriasis rubra pilaris (PRP). Also called: Pityriasis rubra pilaris--familial type. Identifiers: Orphanet 2897, MedGen C0032027, MONDO:0100017, OMIM 173200, MONDO:0008251.

Allele frequency attached by ClinVar (database versions not stated): TOPMed 0.00002; ExAC 0.00003; gnomAD 0.00003; gnomAD exomes 0.00003.
gnomAD v4.1: 49 of 1,611,336 alleles (0.003%); highest among the groups gnomAD compares: Middle Eastern, 0.017%; 1 homozygote.

Submission:

Labcorp Genetics (formerly Invitae), Labcorp
Classification: Uncertain significance for Pityriasis rubra pilaris; Psoriasis 2. Last evaluated: 2024-08-14. Review status: criteria provided, single submitter. Criteria: Invitae Variant Classification Sherloc (09022015). Collection method: clinical testing. Allele origin: germline.
Comment: This sequence change replaces arginine, which is basic and polar, with histidine, which is basic and polar, at codon 465 of the CARD14 protein (p.Arg465His). This variant is present in population databases (rs746351148, gnomAD 0.01%). This variant has not been reported in the literature in individuals affected with CARD14-related conditions. ClinVar contains an entry for this variant (Variation ID: 947500). Invitae Evidence Modeling of protein sequence and biophysical properties (such as structural, functional, and spatial information, amino acid conservation, physicochemical variation, residue mobility, and thermodynamic stability) indicates that this missense variant is not expected to disrupt CARD14 protein function with a negative predictive value of 80%. In summary, the available evidence is currently insufficient to determine the role of this variant in disease. Therefore, it has been classified as a Variant of Uncertain Significance.

NM_001366385.1(CARD14):c.1394G>A (p.Arg465His)

Gene: CARD14 (caspase recruitment domain family member 14; plus strand). Cytogenetic location: 17q25.3.
Variant type: single nucleotide variant.
Coding change: c.1394G>A on transcript NM_001366385.1 (MANE Select); coding-DNA position 1394, G replaced by A.
Protein change: p.Arg465His; replaces arginine 465 with histidine.
Molecular consequence: missense variant. On other transcripts: non-coding transcript variant (1).
Genome position (GRCh38, 1-based): chr17:80,195,228, G>A. VCF-style: chr17-80195228-G-A. GRCh37 (hg19) VCF-style: chr17-78169027-G-A.
Other names: c.1394G>A, p.Arg465His (NM_024110.4, NM_001257970.1); c.683G>A, p.Arg228His (NM_052819.3); short protein forms R465H, R228H.
Identifiers: ClinVar variation 947500 (VCV000947500.3), dbSNP rs746351148, ClinGen allele CA8816815.